The following is an entry in ClinVar:

ClinVar aggregate classification (germline): Uncertain significance (1 of 4 stars; one submission).

Conditions:
Retinitis pigmentosa 59 (RP59). Identifiers: Orphanet 791, MedGen C3151227, MONDO:0013468, OMIM 613861.

gnomAD v4.1: 1 of 1,614,030 alleles (0.000062%); highest among the groups gnomAD compares: Non-Finnish European, 0.000085%; no homozygotes.

Submission:

Labcorp Genetics (formerly Invitae), Labcorp
Classification: Uncertain significance for Retinitis pigmentosa 59. Last evaluated: 2024-10-22. Review status: criteria provided, single submitter. Criteria: Invitae Variant Classification Sherloc (09022015). Collection method: clinical testing. Allele origin: germline.
Comment: This sequence change replaces cysteine, which is neutral and slightly polar, with serine, which is neutral and polar, at codon 117 of the DHDDS protein (p.Cys117Ser). This variant is not present in population databases (gnomAD no frequency). This variant has not been reported in the literature in individuals affected with DHDDS-related conditions. ClinVar contains an entry for this variant (Variation ID: 1400633). Invitae Evidence Modeling of protein sequence and biophysical properties (such as structural, functional, and spatial information, amino acid conservation, physicochemical variation, residue mobility, and thermodynamic stability) indicates that this missense variant is not expected to disrupt DHDDS protein function with a negative predictive value of 80%. In summary, the available evidence is currently insufficient to determine the role of this variant in disease. Therefore, it has been classified as a Variant of Uncertain Significance.

NM_205861.3(DHDDS):c.350G>C (p.Cys117Ser)

Gene: DHDDS (dehydrodolichyl diphosphate synthase subunit; plus strand). Cytogenetic location: 1p36.11.
Variant type: single nucleotide variant.
Coding change: c.350G>C on transcript NM_205861.3 (MANE Select); coding-DNA position 350, G replaced by C.
Protein change: p.Cys117Ser; replaces cysteine 117 with serine.
Molecular consequence: missense variant. On other transcripts: intron variant (1).
Genome position (GRCh38, 1-based): chr1:26,446,342, G>C. VCF-style: chr1-26446342-G-C. GRCh37 (hg19) VCF-style: chr1-26772833-G-C.
Other names: c.350G>C, p.Cys117Ser (NM_001243564.2, NM_024887.4); c.71G>C, p.Cys24Ser (NM_001319959.2); c.324-1217G>C (NM_001243565.2); short protein forms C24S, C117S.
Identifiers: ClinVar variation 1400633 (VCV001400633.8), dbSNP rs2124425567, ClinGen allele CA339142409.
Genomic context (GRCh38, chr1:26,446,342, plus strand): 5'-CCCTATCCCAATGCTGCCTCTTTTCCCTGATCAGGGAGAAACTGCAGAAGCATGGGGTGT[G>C]TATCCGGGTCCTGGGCGATCTGCACTTGTTGCCCTTGGATCTCCAGGAGCTGATTGCACA-3'
Protein context (NP_995583.1, residues 107-127): EKEKLQKHGV[Cys117Ser]IRVLGDLHLL